The following is an entry in ClinVar:

ClinVar aggregate classification (germline): Likely benign (1 of 4 stars; one submission).

Conditions:
PIK3C2B-related disorder. Also called: PIK3C2B-related condition.

gnomAD v4.1: 107 of 1,612,804 alleles (0.0066%); highest among the groups gnomAD compares: African/African-American, 0.13%; no homozygotes.

Submission:

PreventionGenetics, part of Exact Sciences
Classification: Likely benign for PIK3C2B-related condition. Last evaluated: 2026-05-17. Review status: criteria provided, single submitter. Criteria: ACMG Guidelines, 2015. Collection method: clinical testing. Allele origin: germline.
Comment: This variant is classified as likely benign based on ACMG/AMP sequence variant interpretation guidelines (Richards et al. 2015 PMID: 25741868, with internal and published modifications).

NM_001377334.1(PIK3C2B):c.4353C>T (p.Asn1451=)

Gene: PIK3C2B (phosphatidylinositol-4-phosphate 3-kinase catalytic subunit type 2 beta; minus strand). Cytogenetic location: 1q32.1.
Variant type: single nucleotide variant.
Coding change: c.4353C>T on transcript NM_001377334.1 (MANE Select); coding-DNA position 4353, C replaced by T.
Protein change: p.Asn1451=; no amino-acid change (asparagine 1451 retained).
Molecular consequence: synonymous variant.
Genome position (GRCh38, 1-based): chr1:204,429,966, G>A on the plus strand (C>T on the coding strand, the complement: PIK3C2B is on the minus strand). VCF-style: chr1-204429966-G-A. GRCh37 (hg19) VCF-style: chr1-204399094-G-A.
Other names: c.4269C>T, p.Asn1423= (NM_001377335.1); c.4353C>T, p.Asn1451= (NM_002646.4).
Identifiers: ClinVar variation 4979190 (VCV004979190.1).